The following is an entry in ClinVar:

NM_005236.3(ERCC4):c.326C>T (p.Ala109Val)

Gene: ERCC4 (ERCC excision repair 4, endonuclease catalytic subunit; plus strand). Cytogenetic location: 16p13.12.
Variant type: single nucleotide variant.
Coding change: c.326C>T on transcript NM_005236.3 (MANE Select); coding-DNA position 326, C replaced by T.
Protein change: p.Ala109Val; replaces alanine 109 with valine.
Molecular consequence: missense variant.
Genome position (GRCh38, 1-based): chr16:13,922,149, C>T. VCF-style: chr16-13922149-C-T. GRCh37 (hg19) VCF-style: chr16-14016006-C-T.
Other names: short protein forms A109V.
Identifiers: ClinVar variation 1009936 (VCV001009936.7), dbSNP rs767586458, ClinGen allele CA7910154.

ClinVar aggregate classification (germline): Uncertain significance (1 of 4 stars; one submission).

Conditions:
Cockayne syndrome. Identifiers: Orphanet 191, MedGen C0009207, MONDO:0016006.
Fanconi anemia complementation group Q. Identifiers: Orphanet 84, MedGen C3808988, MONDO:0014108, OMIM 615272.
Xeroderma pigmentosum, group F (XPF). Also called: XERODERMA PIGMENTOSUM VI; XP, GROUP F; XERODERMA PIGMENTOSUM, TYPE F; Xeroderma pigmentosum, type 6; XERODERMA PIGMENTOSUM, COMPLEMENTATION GROUP F; ERCC4-Related Xeroderma Pigmentosum. Identifiers: MedGen C0268140, MONDO:0010215, OMIM 278760.

Allele frequency attached by ClinVar (database versions not stated): TOPMed below 0.00001; gnomAD exomes 0.00001; ExAC 0.00002.
gnomAD v4.1: 8 of 1,612,958 alleles (0.0005%); highest among the groups gnomAD compares: African/African-American, 0.0013%; no homozygotes.

Submission:

Labcorp Genetics (formerly Invitae), Labcorp
Classification: Uncertain significance for Fanconi anemia complementation group Q; Xeroderma pigmentosum, group F; Cockayne syndrome. Last evaluated: 2024-04-30. Review status: criteria provided, single submitter. Criteria: Invitae Variant Classification Sherloc (09022015). Collection method: clinical testing. Allele origin: germline.
Comment: This sequence change replaces alanine, which is neutral and non-polar, with valine, which is neutral and non-polar, at codon 109 of the ERCC4 protein (p.Ala109Val). This variant is present in population databases (rs767586458, gnomAD 0.002%). This variant has not been reported in the literature in individuals affected with ERCC4-related conditions. ClinVar contains an entry for this variant (Variation ID: 1009936). Advanced modeling of protein sequence and biophysical properties (such as structural, functional, and spatial information, amino acid conservation, physicochemical variation, residue mobility, and thermodynamic stability) performed at Invitae indicates that this missense variant is not expected to disrupt ERCC4 protein function with a negative predictive value of 80%. In summary, the available evidence is currently insufficient to determine the role of this variant in disease. Therefore, it has been classified as a Variant of Uncertain Significance.